The following is an entry in ClinVar:

NM_024753.5(TTC21B):c.3043C>T (p.Arg1015Cys)

Gene: TTC21B (tetratricopeptide repeat domain 21B; minus strand). Cytogenetic location: 2q24.3.
Variant type: single nucleotide variant.
Coding change: c.3043C>T on transcript NM_024753.5 (MANE Select); coding-DNA position 3043, C replaced by T.
Protein change: p.Arg1015Cys; replaces arginine 1015 with cysteine.
Molecular consequence: missense variant.
Genome position (GRCh38, 1-based): chr2:165,890,896, G>A on the plus strand (C>T on the coding strand, the complement: TTC21B is on the minus strand). VCF-style: chr2-165890896-G-A. GRCh37 (hg19) VCF-style: chr2-166747406-G-A.
Other names: c.3043C>T (NM_024753.4); short protein forms R1015C.
Identifiers: ClinVar variation 2143449 (VCV002143449.5), dbSNP rs376106590, ClinGen allele CA1941605.

ClinVar aggregate classification (germline): Conflicting classifications of pathogenicity. Review status: criteria provided, conflicting classifications (1 of 4 stars). 2 submissions from 2 submitters: Uncertain significance (1); Likely benign (1). Last evaluated 2025-10-13.

Conditions:
Jeune thoracic dystrophy. Also called: Jeune syndrome; Infantile thoracic dystrophy; Thoracic pelvic phalangeal dystrophy; Jeune's syndrome; Chondroectodermal dysplasia-like syndrome; Short-rib thoracic dysplasia. Identifiers: Orphanet 474, MedGen C0265275, MONDO:0018770.
Nephronophthisis. Also called: Juvenile Nephronophthisis. Identifiers: Orphanet 655, MedGen C0687120, MONDO:0019005, HP:0000090.

Allele frequency attached by ClinVar (database versions not stated): gnomAD exomes 0.00001; gnomAD 0.00001; ExAC 0.00003; TOPMed 0.00003; ESP Exome Variant Server 0.00008.
gnomAD v4.1: 24 of 1,612,966 alleles (0.0015%); highest among the groups gnomAD compares: African/African-American, 0.008%; no homozygotes.

Submissions (2):

Labcorp Genetics (formerly Invitae), Labcorp
Classification: Likely benign for Jeune thoracic dystrophy; Nephronophthisis. Last evaluated: 2025-10-13. Review status: criteria provided, single submitter. Criteria: Invitae Variant Classification Sherloc (09022015). Collection method: clinical testing. Allele origin: germline.

GeneDx
Classification: Uncertain significance. Last evaluated: 2024-05-30. Review status: criteria provided, single submitter. Criteria: GeneDx Variant Classification Process June 2021. Collection method: clinical testing. Allele origin: germline. Affected: yes.
Comment: In silico analysis indicates that this missense variant does not alter protein structure/function; Has not been previously published as pathogenic or benign to our knowledge